The following is an entry in ClinVar:

ClinVar aggregate classification (germline): Uncertain significance (1 of 4 stars; one submission).

Conditions:
MED13-related disorder. Also called: MED13-related condition.

Submission:

PreventionGenetics, part of Exact Sciences
Classification: Uncertain significance for MED13-related condition. Last evaluated: 2024-12-09. Review status: criteria provided, single submitter. Criteria: ACMG Guidelines, 2015. Collection method: clinical testing. Allele origin: germline.
Comment: The MED13 c.6127A>G variant is predicted to result in the amino acid substitution p.Thr2043Ala. To our knowledge, this variant has not been reported in the literature or in a large population database (gnomAD), indicating this variant is rare. At this time, the clinical significance of this variant is uncertain due to the absence of conclusive functional and genetic evidence.

NM_005121.3(MED13):c.6127A>G (p.Thr2043Ala)

Gene: MED13 (mediator complex subunit 13; minus strand). Cytogenetic location: 17q23.2.
Variant type: single nucleotide variant.
Coding change: c.6127A>G on transcript NM_005121.3 (MANE Select); coding-DNA position 6127, A replaced by G.
Protein change: p.Thr2043Ala; replaces threonine 2043 with alanine.
Molecular consequence: missense variant.
Genome position (GRCh38, 1-based): chr17:61,950,989, T>C on the plus strand (A>G on the coding strand, the complement: MED13 is on the minus strand). VCF-style: chr17-61950989-T-C. GRCh37 (hg19) VCF-style: chr17-60028350-T-C.
Other names: short protein forms T2043A.
Identifiers: ClinVar variation 4984214 (VCV004984214.1).